The following is an entry in ClinVar:

NM_052947.4(ALPK2):c.1633A>G (p.Asn545Asp)

Gene: ALPK2 (alpha kinase 2; minus strand). Cytogenetic location: 18q21.31.
Variant type: single nucleotide variant.
Coding change: c.1633A>G on transcript NM_052947.4 (MANE Select); coding-DNA position 1633, A replaced by G.
Protein change: p.Asn545Asp; replaces asparagine 545 with aspartic acid.
Molecular consequence: missense variant.
Genome position (GRCh38, 1-based): chr18:58,579,143, T>C on the plus strand (A>G on the coding strand, the complement: ALPK2 is on the minus strand). VCF-style: chr18-58579143-T-C. GRCh37 (hg19) VCF-style: chr18-56246375-T-C.
Other names: short protein forms N545D.
Identifiers: ClinVar variation 1776868 (VCV001776868.3), dbSNP rs1170979345, ClinGen allele CA402561380.

ClinVar aggregate classification (germline): Uncertain significance (1 of 4 stars; one submission).

Allele frequency attached by ClinVar (database versions not stated): TOPMed below 0.00001; gnomAD 0.00001.
gnomAD v4.1: 2 of 1,614,048 alleles (0.00012%); highest among the groups gnomAD compares: African/African-American, 0.0027%; no homozygotes.

Submission:

Ambry Genetics
Classification: Uncertain significance. Last evaluated: 2024-07-05. Review status: criteria provided, single submitter. Criteria: Ambry Variant Classification Scheme 2023. Collection method: clinical testing. Allele origin: germline.
Comment: The p.N545D variant (also known as c.1633A>G), located in coding exon 3 of the ALPK2 gene, results from an A to G substitution at nucleotide position 1633. The asparagine at codon 545 is replaced by aspartic acid, an amino acid with highly similar properties. This amino acid position is conserved. In addition, this alteration is predicted to be tolerated by in silico analysis. Since supporting evidence is limited at this time, the clinical significance of this alteration remains unclear.